The following is an entry in ClinVar:

NM_004360.5(CDH1):c.144_151dup (p.Val51fs)

Gene: CDH1 (cadherin 1; plus strand). Cytogenetic location: 16q22.1.
Variant type: Duplication.
Coding change: c.144_151dup on transcript NM_004360.5 (MANE Select); coding-DNA positions 144 to 151, 8 bases duplicated (AGGCCGCG; older notation c.144_151dupAGGCCGCG).
Protein change: p.Val51fs; shifts the reading frame from valine 51.
Molecular consequence: frameshift variant. On other transcripts: 5 prime UTR variant (2).
Genome position (GRCh38, 1-based): chr16:68,738,392-68,738,399, AGGCCGCG duplicated; duplicating any 8 consecutive bases within chr16:68,738,391-68,738,399 gives the same sequence; the c. name uses the placement nearest the transcript's 3' end. VCF-style (leftmost placement, unchanged base first): chr16-68738390-A-AGAGGCCGC. GRCh37 (hg19) VCF-style: chr16-68772293-A-AGAGGCCGC.
Other names: c.144_151dupAGGCCGCG (NM_004360.3); c.144_151dup, p.Val51fs (NM_001317184.2); c.-1472_-1465dup (NM_001317185.2); c.-1676_-1669dup (NM_001317186.2); short protein forms V51fs.
Identifiers: ClinVar variation 2108354 (VCV002108354.7), dbSNP rs2543817212, ClinGen allele CA2580091865.

ClinVar aggregate classification (germline): Pathogenic. Review status: criteria provided, multiple submitters, no conflicts (2 of 4 stars). 3 submissions from 3 submitters: Pathogenic (3). Last evaluated 2023-03-10.

Conditions:
Hereditary diffuse gastric adenocarcinoma (HDGC). Also called: DIFFUSE GASTRIC AND LOBULAR BREAST CANCER SYNDROME. Identifiers: Orphanet 26106, MedGen C1708349, MONDO:0007648, OMIM 137215.
Familial cancer of breast. Also called: Hereditary breast cancer; BREAST CANCER, FAMILIAL; hereditary breast carcinoma. Identifiers: Orphanet 227535, MedGen C0346153, MONDO:0016419, OMIM 114480. Disease mechanism: loss of function.
Ovarian cancer. Also called: OVARIAN CANCER, SOMATIC. Identifiers: Orphanet 213500, MedGen C1140680, MONDO:0008170, OMIM 167000.
Hereditary cancer-predisposing syndrome. Also called: Hereditary Cancer Syndrome; Tumor predisposition; Neoplastic Syndromes, Hereditary; Hereditary neoplastic syndrome. Identifiers: Orphanet 140162, MedGen C0027672, MeSH D009386, MONDO:0015356.

Submissions (3):

Ambry Genetics
Classification: Pathogenic for Hereditary cancer-predisposing syndrome. Last evaluated: 2023-03-10. Review status: criteria provided, single submitter. Criteria: Ambry Variant Classification Scheme 2023. Collection method: clinical testing. Allele origin: germline.
Comment: The c.144_151dupAGGCCGCG pathogenic mutation, located in coding exon 2 of the CDH1 gene, results from a duplication of AGGCCGCG at nucleotide position 144, causing a translational frameshift with a predicted alternate stop codon (p.V51Efs*8). This variant is considered to be rare based on population cohorts in the Genome Aggregation Database (gnomAD). This alteration is expected to result in loss of function by premature protein truncation or nonsense-mediated mRNA decay. As such, this alteration is interpreted as a disease-causing mutation.

Labcorp Genetics (formerly Invitae), Labcorp
Classification: Pathogenic for Hereditary diffuse gastric adenocarcinoma. Last evaluated: 2022-08-03. Review status: criteria provided, single submitter. Criteria: Invitae Variant Classification Sherloc (09022015). Collection method: clinical testing. Allele origin: germline.
Comment: This sequence change creates a premature translational stop signal (p.Val51Glufs*8) in the CDH1 gene. It is expected to result in an absent or disrupted protein product. Loss-of-function variants in CDH1 are known to be pathogenic (PMID: 15235021, 20373070). This variant is not present in population databases (gnomAD no frequency). This variant has not been reported in the literature in individuals affected with CDH1-related conditions. For these reasons, this variant has been classified as Pathogenic.

Department of Pathology and Laboratory Medicine, Sinai Health System
Classification: Pathogenic for Familial cancer of breast; Ovarian cancer. Last evaluated: 2022-05-30. Review status: criteria provided, single submitter. Criteria: ACMG Guidelines, 2015. Collection method: clinical testing. Allele origin: germline. Affected: yes.

Literature cited by the submitters: PubMed 15235021 (cited by Labcorp Genetics (formerly Invitae), Labcorp); PubMed 20373070 (cited by Labcorp Genetics (formerly Invitae), Labcorp).